The following is an entry in ClinVar:

NM_199420.4(POLQ):c.5954G>T (p.Ser1985Ile)

Gene: POLQ (DNA polymerase theta; minus strand). Cytogenetic location: 3q13.33.
Variant type: single nucleotide variant.
Coding change: c.5954G>T on transcript NM_199420.4 (MANE Select); coding-DNA position 5954, G replaced by T.
Protein change: p.Ser1985Ile; replaces serine 1985 with isoleucine.
Molecular consequence: missense variant.
Genome position (GRCh38, 1-based): chr3:121,483,402, C>A on the plus strand (G>T on the coding strand, the complement: POLQ is on the minus strand). VCF-style: chr3-121483402-C-A. GRCh37 (hg19) VCF-style: chr3-121202249-C-A.
Other names: short protein forms S1985I.
Identifiers: ClinVar variation 2497176 (VCV002497176.2), dbSNP rs2047985628, ClinGen allele CA354088425.

ClinVar aggregate classification (germline): Uncertain significance (1 of 4 stars; one submission).

Allele frequency attached by ClinVar (database versions not stated): TOPMed 0.00001.

Submission:

Ambry Genetics
Classification: Uncertain significance. Last evaluated: 2022-11-20. Review status: criteria provided, single submitter. Criteria: Ambry Variant Classification Scheme 2023. Collection method: clinical testing. Allele origin: germline.
Comment: The p.S1985I variant (also known as c.5954G>T), located in coding exon 18 of the POLQ gene, results from a G to T substitution at nucleotide position 5954. The serine at codon 1985 is replaced by isoleucine, an amino acid with dissimilar properties. This amino acid position is conserved. In addition, this alteration is predicted to be tolerated by in silico analysis. Since supporting evidence is limited at this time, the clinical significance of this alteration remains unclear.